The following is an entry in ClinVar:

ClinVar aggregate classification (germline): Uncertain significance (1 of 4 stars; one submission).

Conditions:
CPE-related disorder. Also called: CPE-related condition.

gnomAD v4.1: 3 of 1,613,902 alleles (0.00019%); highest among the groups gnomAD compares: African/African-American, 0.004%; no homozygotes.

Submission:

PreventionGenetics, part of Exact Sciences
Classification: Uncertain significance for CPE-related condition. Last evaluated: 2025-06-24. Review status: criteria provided, single submitter. Criteria: ACMG Guidelines, 2015. Collection method: clinical testing. Allele origin: germline.
Comment: The CPE c.808A>G variant is predicted to result in the amino acid substitution p.Ser270Gly. To our knowledge, this variant has not been reported in the literature or in a large population database (gnomAD), indicating this variant is rare. At this time, the clinical significance of this variant is uncertain due to the absence of conclusive functional and genetic evidence.

NM_001873.4(CPE):c.808A>G (p.Ser270Gly)

Gene: CPE (carboxypeptidase E; plus strand). Cytogenetic location: 4q32.3.
Variant type: single nucleotide variant.
Coding change: c.808A>G on transcript NM_001873.4 (MANE Select); coding-DNA position 808, A replaced by G.
Protein change: p.Ser270Gly; replaces serine 270 with glycine.
Molecular consequence: missense variant.
Genome position (GRCh38, 1-based): chr4:165,484,439, A>G. VCF-style: chr4-165484439-A-G. GRCh37 (hg19) VCF-style: chr4-166405591-A-G.
Other names: short protein forms S270G.
Identifiers: ClinVar variation 4989046 (VCV004989046.1).